The following is an entry in ClinVar:

NM_001555.5(IGSF1):c.2036G>C (p.Gly679Ala)

Gene: IGSF1 (immunoglobulin superfamily member 1; minus strand). Cytogenetic location: Xq26.1.
Variant type: single nucleotide variant.
Coding change: c.2036G>C on transcript NM_001555.5 (MANE Select); coding-DNA position 2036, G replaced by C.
Protein change: p.Gly679Ala; replaces glycine 679 with alanine.
Molecular consequence: missense variant.
Genome position (GRCh38, 1-based): chrX:131,278,466, C>G on the plus strand (G>C on the coding strand, the complement: IGSF1 is on the minus strand). VCF-style: chrX-131278466-C-G. GRCh37 (hg19) VCF-style: chrX-130412440-C-G.
Other names: c.2051G>C, p.Gly684Ala (NM_001170961.2); c.2009G>C, p.Gly670Ala (NM_001170962.2); short protein forms G670A, G679A, G684A.
Identifiers: ClinVar variation 3376288 (VCV003376288.1).

ClinVar aggregate classification (germline): Uncertain significance (1 of 4 stars; one submission).

Conditions:
X-linked central congenital hypothyroidism with late-onset testicular enlargement. Also called: Hypothyroidism, central, and testicular enlargement; HYPOTHYROIDISM, CENTRAL, WITH TESTICULAR ENLARGEMENT. Identifiers: Orphanet 329235, MedGen C3550963, MONDO:0010475, OMIM 300888.

Submission:

Pittsburgh Clinical Genomics Laboratory, University of Pittsburgh Medical Center
Classification: Uncertain significance for X-linked central congenital hypothyroidism with late-onset testicular enlargement. Last evaluated: 2023-08-09. Review status: criteria provided, single submitter. Criteria: ACMG Guidelines, 2015. Collection method: clinical testing. Allele origin: germline. Inheritance: X-linked recessive inheritance. Affected: yes.
Comment: This sequence variant is a single nucleotide substitution (G>C) at position 2051 of the coding sequence of the IGSF1 gene that results in a glycine to alanine amino acid change at residue 684 of the immunoglobulin superfamily member 1 protein. This novel variant is absent from ClinVar, published literature, and the gnomAD population database (0/~166000 alleles). Multiple bioinformatic tools predict that this glycine to alanine amino acid change would be neutral, and the Gly684 residue at this position is highly conserved across the vertebrate species examined. Studies examining the functiol consequence of this variant have not been performed, to our knowledge. At this time, there is insufficient evidence to determine if this variant is pathogenic or benign. Therefore, we consider this a variant of uncertain significance. ACMG Criteria: BP4, PM2